The following is an entry in ClinVar:

NM_001040142.2(SCN2A):c.1399G>C (p.Ala467Pro)

Gene: SCN2A (sodium voltage-gated channel alpha subunit 2; plus strand). Cytogenetic location: 2q24.3.
Variant type: single nucleotide variant.
Coding change: c.1399G>C on transcript NM_001040142.2 (MANE Select); coding-DNA position 1399, G replaced by C.
Protein change: p.Ala467Pro; replaces alanine 467 with proline.
Molecular consequence: missense variant.
Genome position (GRCh38, 1-based): chr2:165,315,486, G>C. VCF-style: chr2-165315486-G-C. GRCh37 (hg19) VCF-style: chr2-166171996-G-C.
Other names: c.1399G>C, p.Ala467Pro (NM_001040143.2, NM_001371246.1, NM_001371247.1 and 1 more transcripts); short protein forms A467P.
Identifiers: ClinVar variation 2500543 (VCV002500543.1), dbSNP rs745774658, ClinGen allele CA349022663.

ClinVar aggregate classification (germline): Uncertain significance (1 of 4 stars; one submission).

Submission:

GeneDx
Classification: Uncertain significance. Last evaluated: 2022-10-28. Review status: criteria provided, single submitter. Criteria: GeneDx Variant Classification Process June 2021. Collection method: clinical testing. Allele origin: germline. Affected: yes.
Comment: Not observed at significant frequency in large population cohorts (gnomAD); Missense variants in this gene are often considered pathogenic (HGMD); In silico analysis supports that this missense variant does not alter protein structure/function; Has not been previously published as pathogenic or benign to our knowledge